The following is an entry in ClinVar:

NM_004984.4(KIF5A):c.1160C>T (p.Ala387Val)

Gene: KIF5A (kinesin family member 5A; plus strand). Cytogenetic location: 12q13.3.
Variant type: single nucleotide variant.
Coding change: c.1160C>T on transcript NM_004984.4 (MANE Select); coding-DNA position 1160, C replaced by T.
Protein change: p.Ala387Val; replaces alanine 387 with valine.
Molecular consequence: missense variant.
Genome position (GRCh38, 1-based): chr12:57,570,029, C>T. VCF-style: chr12-57570029-C-T. GRCh37 (hg19) VCF-style: chr12-57963812-C-T.
Other names: c.893C>T, p.Ala298Val (NM_001354705.2); short protein forms A298V, A387V.
Identifiers: ClinVar variation 1467596 (VCV001467596.8), dbSNP rs2140163615, ClinGen allele CA385503750.

ClinVar aggregate classification (germline): Uncertain significance (1 of 4 stars; one submission).

Conditions:
Spastic paraplegia. Identifiers: MedGen C0037772, HP:0001258.

Allele frequency attached by ClinVar (database versions not stated): gnomAD exomes below 0.00001.
gnomAD v4.1: 2 of 1,613,744 alleles (0.00012%); highest among the groups gnomAD compares: South Asian, 0.0011%; no homozygotes.

Submission:

Labcorp Genetics (formerly Invitae), Labcorp
Classification: Uncertain significance for Spastic paraplegia. Last evaluated: 2022-03-19. Review status: criteria provided, single submitter. Criteria: Invitae Variant Classification Sherloc (09022015). Collection method: clinical testing. Allele origin: germline.
Comment: Algorithms developed to predict the effect of sequence changes on RNA splicing suggest that this variant may create or strengthen a splice site. Advanced modeling of protein sequence and biophysical properties (such as structural, functional, and spatial information, amino acid conservation, physicochemical variation, residue mobility, and thermodynamic stability) performed at Invitae indicates that this missense variant is not expected to disrupt KIF5A protein function. This variant has not been reported in the literature in individuals affected with KIF5A-related conditions. This variant is not present in population databases (gnomAD no frequency). This sequence change replaces alanine, which is neutral and non-polar, with valine, which is neutral and non-polar, at codon 387 of the KIF5A protein (p.Ala387Val). In summary, the available evidence is currently insufficient to determine the role of this variant in disease. Therefore, it has been classified as a Variant of Uncertain Significance.